The following is an entry in ClinVar:

NM_018136.5(ASPM):c.2217_2221del (p.Ile740fs)

Gene: ASPM (assembly factor for spindle microtubules; minus strand). Cytogenetic location: 1q31.3.
Variant type: Deletion.
Coding change: c.2217_2221del on transcript NM_018136.5 (MANE Select); coding-DNA positions 2217 to 2221, 5 bases deleted (AATAA; older notation c.2217_2221delAATAA).
Protein change: p.Ile740fs; shifts the reading frame from isoleucine 740.
Molecular consequence: frameshift variant.
Genome position (GRCh38, 1-based): chr1:197,133,548-197,133,552, TTATT deleted on the plus strand (AATAA on the coding strand, the reverse complement: ASPM is on the minus strand); deleting any 5 consecutive bases within chr1:197,133,548-197,133,556 gives the same sequence; the c. name uses the placement nearest the transcript's 3' end. VCF-style (leftmost placement, unchanged base first): chr1-197133547-CTTATT-C. GRCh37 (hg19) VCF-style: chr1-197102677-CTTATT-C.
Other names: c.2217_2221del, p.Ile740fs (NM_001206846.2); short protein forms I740fs.
Identifiers: ClinVar variation 2639704 (VCV002639704.24), dbSNP rs2527377771, ClinGen allele CA2695199957.

ClinVar aggregate classification (germline): Pathogenic (1 of 4 stars; one submission).

Submission:

CeGaT Center for Human Genetics Tuebingen
Classification: Pathogenic. Last evaluated: 2023-08-01. Review status: criteria provided, single submitter. Criteria: CeGaT Center For Human Genetics Tuebingen Variant Classification Criteria Version 2. Collection method: clinical testing. Allele origin: germline. Affected: yes. Observed: 1 variant allele.
Comment: ASPM: PVS1, PM2